The following is an entry in ClinVar:

NM_138387.4(G6PC3):c.280C>T (p.Pro94Ser)

Gene: G6PC3 (glucose-6-phosphatase catalytic subunit 3; plus strand). Cytogenetic location: 17q21.31.
Variant type: single nucleotide variant.
Coding change: c.280C>T on transcript NM_138387.4 (MANE Select); coding-DNA position 280, C replaced by T.
Protein change: p.Pro94Ser; replaces proline 94 with serine.
Molecular consequence: missense variant. On other transcripts: 5 prime UTR variant (4).
Genome position (GRCh38, 1-based): chr17:44,074,221, C>T. VCF-style: chr17-44074221-C-T. GRCh37 (hg19) VCF-style: chr17-42151589-C-T.
Other names: c.280C>T, p.Pro94Ser (NM_001319945.2); c.-66C>T (NM_001384165.1, NM_001384166.1, NM_001384167.1 and 1 more transcripts); short protein forms P94S.
Identifiers: ClinVar variation 1946190 (VCV001946190.2), dbSNP rs2050033055, ClinGen allele CA399725804.

ClinVar aggregate classification (germline): Uncertain significance (1 of 4 stars; one submission).

Conditions:
Autosomal recessive severe congenital neutropenia due to G6PC3 deficiency. Also called: G6PC3 Deficiency; NEUTROPENIA, SEVERE CONGENITAL, 4, AUTOSOMAL RECESSIVE. Identifiers: Orphanet 331176, MedGen C2751630, MONDO:0012930, OMIM 612541.

Submission:

Labcorp Genetics (formerly Invitae), Labcorp
Classification: Uncertain significance for Autosomal recessive severe congenital neutropenia due to G6PC3 deficiency. Last evaluated: 2022-07-25. Review status: criteria provided, single submitter. Criteria: Invitae Variant Classification Sherloc (09022015). Collection method: clinical testing. Allele origin: germline.
Comment: This sequence change replaces proline, which is neutral and non-polar, with serine, which is neutral and polar, at codon 94 of the G6PC3 protein (p.Pro94Ser). This variant is not present in population databases (gnomAD no frequency). This variant has not been reported in the literature in individuals affected with G6PC3-related conditions. Algorithms developed to predict the effect of missense changes on protein structure and function are either unavailable or do not agree on the potential impact of this missense change (SIFT: "Tolerated"; PolyPhen-2: "Possibly Damaging"; Align-GVGD: "Class C0"). In summary, the available evidence is currently insufficient to determine the role of this variant in disease. Therefore, it has been classified as a Variant of Uncertain Significance.